The following is an entry in ClinVar:

ClinVar aggregate classification (germline): Uncertain significance (1 of 4 stars; one submission).

Submission:

Labcorp Genetics (formerly Invitae), Labcorp
Classification: Uncertain significance. Last evaluated: 2021-10-08. Review status: criteria provided, single submitter. Criteria: Invitae Variant Classification Sherloc (09022015). Collection method: clinical testing. Allele origin: germline.
Comment: In summary, the available evidence is currently insufficient to determine the role of this variant in disease. Therefore, it has been classified as a Variant of Uncertain Significance. Algorithms developed to predict the effect of missense changes on protein structure and function are either unavailable or do not agree on the potential impact of this missense change (SIFT: "Deleterious"; PolyPhen-2: "Possibly Damaging"; Align-GVGD: "Class C0"). This variant has not been reported in the literature in individuals affected with SBF1-related conditions. This variant is not present in population databases (ExAC no frequency). This sequence change replaces glutamic acid with aspartic acid at codon 1741 of the SBF1 protein (p.Glu1741Asp). The glutamic acid residue is moderately conserved and there is a small physicochemical difference between glutamic acid and aspartic acid.

NM_002972.4(SBF1):c.5223G>C (p.Glu1741Asp)

Gene: SBF1 (SET binding factor 1; minus strand). Cytogenetic location: 22q13.33.
Variant type: single nucleotide variant.
Coding change: c.5223G>C on transcript NM_002972.4 (MANE Select); coding-DNA position 5223, G replaced by C.
Protein change: p.Glu1741Asp; replaces glutamic acid 1741 with aspartic acid.
Molecular consequence: missense variant.
Genome position (GRCh38, 1-based): chr22:50,448,373, C>G on the plus strand (G>C on the coding strand, the complement: SBF1 is on the minus strand). VCF-style: chr22-50448373-C-G. GRCh37 (hg19) VCF-style: chr22-50886802-C-G.
Other names: c.5148G>C, p.Glu1716Asp (NM_001365819.1); short protein forms E1741D, E1716D.
Identifiers: ClinVar variation 1385396 (VCV001385396.6), dbSNP rs2148552473, ClinGen allele CA412187114.